The following is an entry in ClinVar:

ClinVar aggregate classification (germline): Uncertain significance (1 of 4 stars; one submission).

Submission:

GeneDx
Classification: Uncertain significance. Last evaluated: 2019-08-28. Review status: criteria provided, single submitter. Criteria: GeneDx Variant Classification Process June 2021. Collection method: clinical testing. Allele origin: germline. Affected: yes.
Comment: Not observed in large population cohorts (Lek et al., 2016); The majority of missense variants in this gene are considered pathogenic [(Stenson et al., 2014; other references)]; In silico analysis, which includes protein predictors and evolutionary conservation, supports that this variant does not alter protein structure/function; Has not been previously published as pathogenic or benign to our knowledge

NM_006086.4(TUBB3):c.1307T>C (p.Met436Thr)

Gene: TUBB3 (tubulin beta 3 class III; plus strand). Cytogenetic location: 16q24.3.
Variant type: single nucleotide variant.
Coding change: c.1307T>C on transcript NM_006086.4 (MANE Select); coding-DNA position 1307, T replaced by C.
Protein change: p.Met436Thr; replaces methionine 436 with threonine.
Molecular consequence: missense variant.
Genome position (GRCh38, 1-based): chr16:89,935,758, T>C. VCF-style: chr16-89935758-T-C. GRCh37 (hg19) VCF-style: chr16-90002166-T-C.
Other names: c.1091T>C, p.Met364Thr (NM_001197181.2); short protein forms M364T, M436T.
Identifiers: ClinVar variation 546220 (VCV000546220.3), dbSNP rs758528369, ClinGen allele CA397477203.
Genomic context (GRCh38, chr16:89,935,758, plus strand): 5'-ACGACCTGGTGTCCGAGTACCAGCAGTACCAGGACGCCACGGCCGAGGAAGAGGGCGAGA[T>C]GTACGAAGACGACGAGGAGGAGTCGGAGGCCCAGGGCCCCAAGTGAAGCTGCTCGCAGCT-3'
Protein context (NP_006077.2, residues 426-446): QDATAEEEGE[Met436Thr]YEDDEEESEA